The following is an entry in ClinVar:

NM_001005242.3(PKP2):c.512G>T (p.Arg171Ile)

Gene: PKP2 (plakophilin 2; minus strand). Cytogenetic location: 12p11.21.
Variant type: single nucleotide variant.
Coding change: c.512G>T on transcript NM_001005242.3 (MANE Select); coding-DNA position 512, G replaced by T.
Protein change: p.Arg171Ile; replaces arginine 171 with isoleucine.
Molecular consequence: missense variant.
Genome position (GRCh38, 1-based): chr12:32,878,368, C>A on the plus strand (G>T on the coding strand, the complement: PKP2 is on the minus strand). VCF-style: chr12-32878368-C-A. GRCh37 (hg19) VCF-style: chr12-33031302-C-A.
Other names: c.512G>T, p.Arg171Ile (NM_001407155.1, NM_001407156.1, NM_001407157.1 and 2 more transcripts); c.185G>T, p.Arg62Ile (NM_001407158.1, NM_001407159.1, NM_001407160.1 and 1 more transcripts); short protein forms R171I, R62I.
Identifiers: ClinVar variation 4758434 (VCV004758434.1).

ClinVar aggregate classification (germline): Uncertain significance (1 of 4 stars; one submission).

Conditions:
Cardiomyopathy (CMYO). Also called: Cardiomyopathies. Identifiers: Orphanet 167848, MedGen C0878544, MONDO:0004994, HP:0001638. Inheritance: Various modes of inheritance.

Submission:

Color Diagnostics, LLC DBA Color Health
Classification: Uncertain significance for Cardiomyopathy. Last evaluated: 2025-06-23. Review status: criteria provided, single submitter. Criteria: ACMG Guidelines, 2015. Collection method: clinical testing. Allele origin: germline.
Comment: This missense variant replaces arginine with isoleucine at codon 171 of the PKP2 protein. Computational prediction suggests that this variant may not impact protein structure and function. To our knowledge, functional studies have not been reported for this variant. This variant has not been reported in individuals affected with PKP2-related disorders in the literature. This variant has not been identified in the general population by the Genome Aggregation Database (gnomAD). The available evidence is insufficient to determine the role of this variant in disease conclusively. Therefore, this variant is classified as a Variant of Uncertain Significance.